The following is an entry in ClinVar:

ClinVar aggregate classification (germline): Likely benign (1 of 4 stars; one submission).

Submission:

CeGaT Center for Human Genetics Tuebingen
Classification: Likely benign. Last evaluated: 2024-03-01. Review status: criteria provided, single submitter. Criteria: CeGaT Center For Human Genetics Tuebingen Variant Classification Criteria Version 2. Collection method: clinical testing. Allele origin: germline. Affected: yes. Observed: 1 variant allele.
Comment: SHC3: PM2:Supporting, BP4, BP7

NM_016848.6(SHC3):c.1314G>T (p.Ala438=)

Gene: SHC3 (SHC adaptor protein 3; minus strand). Cytogenetic location: 9q22.1.
Variant type: single nucleotide variant.
Coding change: c.1314G>T on transcript NM_016848.6 (MANE Select); coding-DNA position 1314, G replaced by T.
Protein change: p.Ala438=; no amino-acid change (alanine 438 retained).
Molecular consequence: synonymous variant.
Genome position (GRCh38, 1-based): chr9:89,042,072, C>A on the plus strand (G>T on the coding strand, the complement: SHC3 is on the minus strand). VCF-style: chr9-89042072-C-A. GRCh37 (hg19) VCF-style: chr9-91656987-C-A.
Identifiers: ClinVar variation 3234384 (VCV003234384.20), dbSNP rs371880328, ClinGen allele CA465772498.